The following is an entry in ClinVar:

NM_000075.4(CDK4):c.60G>A (p.Val20=)

Gene: CDK4 (cyclin dependent kinase 4; minus strand). Cytogenetic location: 12q14.1.
Variant type: single nucleotide variant.
Coding change: c.60G>A on transcript NM_000075.4 (MANE Select); coding-DNA position 60, G replaced by A.
Protein change: p.Val20=; no amino-acid change (valine 20 retained).
Molecular consequence: synonymous variant.
Genome position (GRCh38, 1-based): chr12:57,751,658, C>T on the plus strand (G>A on the coding strand, the complement: CDK4 is on the minus strand). VCF-style: chr12-57751658-C-T. GRCh37 (hg19) VCF-style: chr12-58145441-C-T.
Identifiers: ClinVar variation 734502 (VCV000734502.16), dbSNP rs1595111186, ClinGen allele CA480404919.

ClinVar aggregate classification (germline): Benign/Likely benign. Review status: criteria provided, multiple submitters, no conflicts (2 of 4 stars). 3 submissions from 3 submitters: Benign (1); Likely benign (2). Last evaluated 2025-07-14.

Conditions:
Familial melanoma. Also called: Hereditary melanoma; Hereditary cutaneous melanoma. Identifiers: Orphanet 618, MedGen C1512419, MONDO:0018961.
Hereditary cancer-predisposing syndrome. Also called: Hereditary neoplastic syndrome; Tumor predisposition; Hereditary Cancer Syndrome; Neoplastic Syndromes, Hereditary. Identifiers: Orphanet 140162, MedGen C0027672, MeSH D009386, MONDO:0015356.
Melanoma, cutaneous malignant, susceptibility to, 3. Also called: Cutaneous malignant melanoma 3. Identifiers: Orphanet 618, MedGen C1836892, MONDO:0012183, OMIM 609048.

Allele frequency attached by ClinVar (database versions not stated): gnomAD exomes below 0.00001; gnomAD 0.00001.
gnomAD v4.1: 3 of 1,614,056 alleles (0.00019%); highest among the groups gnomAD compares: Non-Finnish European, 0.00017%; no homozygotes.

Submissions (3):

Labcorp Genetics (formerly Invitae), Labcorp
Classification: Likely benign for Familial melanoma. Last evaluated: 2025-07-14. Review status: criteria provided, single submitter. Criteria: Invitae Variant Classification Sherloc (09022015). Collection method: clinical testing. Allele origin: germline.

Myriad Genetics, Inc.
Classification: Benign for Melanoma, cutaneous malignant, susceptibility to, 3. Last evaluated: 2024-09-24. Review status: criteria provided, single submitter. Criteria: Myriad Autosomal Dominant, Autosomal Recessive and X-Linked Classification Criteria (2023). Collection method: clinical testing. Allele origin: unknown.
Comment: This variant is considered benign. This variant is a silent/synonymous amino acid change and it is not expected to impact splicing.

Ambry Genetics
Classification: Likely benign for Hereditary cancer-predisposing syndrome. Last evaluated: 2019-05-24. Review status: criteria provided, single submitter. Criteria: Ambry Variant Classification Scheme 2023. Collection method: clinical testing. Allele origin: germline.